The following is an entry in ClinVar:

NM_007118.4(TRIO):c.4949A>G (p.Asp1650Gly)

Genes: TRIO (trio Rho guanine nucleotide exchange factor; plus strand), LOC126807322 (P300/CBP strongly-dependent group 1 enhancer GRCh37_chr5:14406263-14407462; plus strand). Cytogenetic location: 5p15.2.
Variant type: single nucleotide variant.
Coding change: c.4949A>G on transcript NM_007118.4 (MANE Select); coding-DNA position 4949, A replaced by G.
Protein change: p.Asp1650Gly; replaces aspartic acid 1650 with glycine.
Molecular consequence: missense variant. On other transcripts: non-coding transcript variant (1).
Genome position (GRCh38, 1-based): chr5:14,406,662, A>G. VCF-style: chr5-14406662-A-G. GRCh37 (hg19) VCF-style: chr5-14406771-A-G.
Other names: short protein forms D1650G.
Identifiers: ClinVar variation 3342792 (VCV003342792.1).
Genomic context (GRCh38, chr5:14,406,662, plus strand): 5'-ACGGCAGCAGCCAGCCTGATACGATTTCCATCGCCTCACGGACGTCTCAGAACACGCTGG[A>G]CAGCGATAAGGTGAGTCACTGCCGGCACTTTGTGTGCGGAGGGGAATGTGGCCAGTCTCT-3'
Protein context (NP_009049.2, residues 1640-1660): IASRTSQNTL[Asp1650Gly]SDKLSGGCEL

ClinVar aggregate classification (germline): Uncertain significance (1 of 4 stars; one submission).

gnomAD v4.1: 1 of 1,613,940 alleles (0.000062%); highest among the groups gnomAD compares: African/African-American, 0.0013%; no homozygotes.

Submission:

GeneDx
Classification: Uncertain significance. Last evaluated: 2023-05-17. Review status: criteria provided, single submitter. Criteria: GeneDx Variant Classification Process June 2021. Collection method: clinical testing. Allele origin: germline. Affected: yes.
Comment: In silico analysis supports that this missense variant has a deleterious effect on protein structure/function; Has not been previously published as pathogenic or benign to our knowledge